The following is an entry in ClinVar:

ClinVar aggregate classification (germline): Likely benign. Review status: criteria provided, multiple submitters, no conflicts (2 of 4 stars). 3 submissions from 3 submitters: Likely benign (2). 1 of the submissions does not count toward it. Last evaluated 2024-02-29.

Conditions:
ABCC2-related disorder. Also called: ABCC2-related condition.

Allele frequency attached by ClinVar (database versions not stated): gnomAD 0.00001; ExAC 0.00003; TOPMed 0.00003.
gnomAD v4.1: 14 of 1,614,108 alleles (0.00087%); highest among the groups gnomAD compares: East Asian, 0.029%; no homozygotes.

Submissions (3):

Labcorp Genetics (formerly Invitae), Labcorp
Classification: Likely benign. Last evaluated: 2024-02-29. Review status: criteria provided, single submitter. Criteria: Invitae Variant Classification Sherloc (09022015). Collection method: clinical testing. Allele origin: germline.

Blueprint Genetics
Classification: Likely benign. Last evaluated: 2021-09-21. Review status: criteria provided, single submitter. Criteria: ACMG Guidelines, 2015. Collection method: clinical testing. Allele origin: germline.

PreventionGenetics, part of Exact Sciences
Classification: Likely benign for ABCC2-related condition. Last evaluated: 2021-12-22. Review status: no assertion criteria provided. Collection method: clinical testing. Allele origin: germline. Not counted in ClinVar's aggregate classification.
Comment: This variant is classified as likely benign based on ACMG/AMP sequence variant interpretation guidelines (Richards et al. 2015 PMID: 25741868, with internal and published modifications).

NM_000392.5(ABCC2):c.3540G>A (p.Gln1180=)

Gene: ABCC2 (ATP binding cassette subfamily C member 2; plus strand). Cytogenetic location: 10q24.2.
Variant type: single nucleotide variant.
Coding change: c.3540G>A on transcript NM_000392.5 (MANE Select); coding-DNA position 3540, G replaced by A.
Protein change: p.Gln1180=; no amino-acid change (glutamine 1180 retained).
Molecular consequence: synonymous variant.
Genome position (GRCh38, 1-based): chr10:99,836,216, G>A. VCF-style: chr10-99836216-G-A. GRCh37 (hg19) VCF-style: chr10-101595973-G-A.
Other names: c.3540G>A (NM_000392.4).
Identifiers: ClinVar variation 2966598 (VCV002966598.6), dbSNP rs762726580, ClinGen allele CA5643840.